The following is an entry in ClinVar:

ClinVar aggregate classification (germline): Likely benign (0 of 4 stars; one submission).

Conditions:
SPTBN5-related disorder. Also called: SPTBN5-related condition.

Allele frequency attached by ClinVar (database versions not stated): gnomAD exomes 0.00009; ExAC 0.00044; ESP Exome Variant Server 0.00072; TOPMed 0.00100; gnomAD 0.00104; 1000 Genomes Project 0.00200; 1000 Genomes Project 30x 0.00219.
gnomAD v4.1: 298 of 1,598,904 alleles (0.019%); highest among the groups gnomAD compares: African/African-American, 0.28%; no homozygotes.

Submission:

PreventionGenetics, part of Exact Sciences
Classification: Likely benign for SPTBN5-related condition. Last evaluated: 2023-04-05. Review status: no assertion criteria provided. Collection method: clinical testing. Allele origin: germline.
Comment: This variant is classified as likely benign based on ACMG/AMP sequence variant interpretation guidelines (Richards et al. 2015 PMID: 25741868, with internal and published modifications).

NM_016642.4(SPTBN5):c.7516C>T (p.Arg2506Trp)

Gene: SPTBN5 (spectrin beta, non-erythrocytic 5; minus strand). Cytogenetic location: 15q15.1.
Variant type: single nucleotide variant.
Coding change: c.7516C>T on transcript NM_016642.4 (MANE Select); coding-DNA position 7516, C replaced by T.
Protein change: p.Arg2506Trp; replaces arginine 2506 with tryptophan.
Molecular consequence: missense variant.
Genome position (GRCh38, 1-based): chr15:41,862,162, G>A on the plus strand (C>T on the coding strand, the complement: SPTBN5 is on the minus strand). VCF-style: chr15-41862162-G-A. GRCh37 (hg19) VCF-style: chr15-42154360-G-A.
Other names: short protein forms R2506W.
Identifiers: ClinVar variation 3047188 (VCV003047188.2), dbSNP rs200151429, ClinGen allele CA7502205.